The following is an entry in ClinVar:

NM_001035.3(RYR2):c.5824T>C (p.Phe1942Leu)

Gene: RYR2 (ryanodine receptor 2; plus strand). Cytogenetic location: 1q43.
Variant type: single nucleotide variant.
Coding change: c.5824T>C on transcript NM_001035.3 (MANE Select); coding-DNA position 5824, T replaced by C.
Protein change: p.Phe1942Leu; replaces phenylalanine 1942 with leucine.
Molecular consequence: missense variant.
Genome position (GRCh38, 1-based): chr1:237,617,394, T>C. VCF-style: chr1-237617394-T-C. GRCh37 (hg19) VCF-style: chr1-237780694-T-C.
Other names: c.5824T>C, p.Phe1942Leu (LRG_402t1); short protein forms F1942L.
Identifiers: ClinVar variation 404222 (VCV000404222.60), dbSNP rs368669045, ClinGen allele CA086981.

ClinVar aggregate classification (germline): Conflicting classifications of pathogenicity. Review status: criteria provided, conflicting classifications (1 of 4 stars). 7 submissions from 7 submitters: Uncertain significance (6); Likely benign (1). Last evaluated 2025-12-21.

Conditions:
Cardiovascular phenotype. Identifiers: MedGen CN230736.
Arrhythmogenic right ventricular dysplasia 2. Identifiers: MedGen C1832931.
Ventricular arrhythmias due to cardiac ryanodine receptor calcium release deficiency syndrome. Also called: Autosomal dominant cardiac arrhythmia (Kuhn). Identifiers: MedGen C5542154, MONDO:0020745, OMIM 115000.
Catecholaminergic polymorphic ventricular tachycardia 1. Also called: VENTRICULAR TACHYCARDIA, CATECHOLAMINERGIC POLYMORPHIC, 1, WITH OR WITHOUT ATRIAL DYSFUNCTION AND/OR DILATED CARDIOMYOPATHY; RYR2-Related Catecholaminergic Polymorphic Ventricular Tachycardia; VENTRICULAR TACHYCARDIA, STRESS-INDUCED POLYMORPHIC 1. Identifiers: Orphanet 3286, MedGen C1631597, MONDO:0011484, OMIM 604772.
Catecholaminergic polymorphic ventricular tachycardia (CVPT). Also called: Catecholamine-induced polymorphic ventricular tachycardia. Identifiers: Orphanet 3286, MedGen C5574922, MONDO:0017990.
Cardiomyopathy (CMYO). Also called: Cardiomyopathies. Identifiers: Orphanet 167848, MedGen C0878544, MONDO:0004994, HP:0001638. Inheritance: Various modes of inheritance.

Allele frequency attached by ClinVar (database versions not stated): gnomAD exomes below 0.00001 and 0.00001; ExAC 0.00001; gnomAD 0.00001; TOPMed 0.00002; ESP Exome Variant Server 0.00008.
gnomAD v4.1: 20 of 1,613,882 alleles (0.0012%); highest among the groups gnomAD compares: Admixed American, 0.0017%; no homozygotes.

Submissions (7):

Labcorp Genetics (formerly Invitae), Labcorp
Classification: Uncertain significance for Catecholaminergic polymorphic ventricular tachycardia 1. Last evaluated: 2025-12-21. Review status: criteria provided, single submitter. Criteria: Invitae Variant Classification Sherloc (09022015). Collection method: clinical testing. Allele origin: germline.
Comment: This sequence change replaces phenylalanine, which is neutral and non-polar, with leucine, which is neutral and non-polar, at codon 1942 of the RYR2 protein (p.Phe1942Leu). This variant is present in population databases (rs368669045, gnomAD 0.0009%). This variant has not been reported in the literature in individuals affected with RYR2-related conditions. ClinVar contains an entry for this variant (Variation ID: 404222). Invitae Evidence Modeling of protein sequence and biophysical properties (such as structural, functional, and spatial information, amino acid conservation, physicochemical variation, residue mobility, and thermodynamic stability) indicates that this missense variant is not expected to disrupt RYR2 protein function with a negative predictive value of 95%. In summary, the available evidence is currently insufficient to determine the role of this variant in disease. Therefore, it has been classified as a Variant of Uncertain Significance.

Ambry Genetics
Classification: Uncertain significance for Cardiovascular phenotype. Last evaluated: 2025-04-09. Review status: criteria provided, single submitter. Criteria: Ambry Variant Classification Scheme 2023. Collection method: clinical testing. Allele origin: germline.
Comment: The p.F1942L variant (also known as c.5824T>C), located in coding exon 38 of the RYR2 gene, results from a T to C substitution at nucleotide position 5824. The phenylalanine at codon 1942 is replaced by leucine, an amino acid with highly similar properties. This amino acid position is well conserved in available vertebrate species. In addition, this alteration is predicted to be tolerated by in silico analysis. Based on the available evidence, the clinical significance of this variant remains unclear.

Color Diagnostics, LLC DBA Color Health
Classification: Likely benign for Cardiomyopathy. Last evaluated: 2025-03-31. Review status: criteria provided, single submitter. Criteria: ACMG Guidelines, 2015. Collection method: clinical testing. Allele origin: germline.

Women's Health and Genetics/Laboratory Corporation of America, LabCorp
Classification: Uncertain significance. Last evaluated: 2025-02-10. Review status: criteria provided, single submitter. Criteria: LabCorp Variant Classification Summary - May 2015. Collection method: clinical testing. Allele origin: germline.
Comment: Variant summary: RYR2 c.5824T>C (p.Phe1942Leu) results in a non-conservative amino acid change located in the Ryanodine receptor junctional solenoid repeat domain of the encoded protein sequence. Two of four in-silico tools predict a benign effect of the variant on protein function. The variant allele was found at a frequency of 4e-06 in 248982 control chromosomes. The available data on variant occurrences in the general population are insufficient to allow any conclusion about variant significance. ClinVar contains an entry for this variant (Variation ID: 404222). Based on the evidence outlined above, the variant was classified as uncertain significance.

All of Us Research Program, National Institutes of Health
Classification: Uncertain significance for Catecholaminergic polymorphic ventricular tachycardia. Last evaluated: 2024-05-14. Review status: criteria provided, single submitter. Criteria: ACMG Guidelines, 2015. Collection method: clinical testing. Allele origin: germline. Inheritance: Autosomal dominant inheritance. Observed: 14 variant alleles, 14 heterozygotes.
Comment: This missense variant replaces phenylalanine with leucine at codon 1942 of the RYR2 protein. Computational prediction suggests that this variant may not impact protein structure and function (internally defined REVEL score threshold <= 0.5, PMID: 27666373). To our knowledge, functional studies have not been reported for this variant. This variant has not been reported in individuals affected with RYR2-related disorders in the literature. This variant has been identified in 1/248982 chromosomes in the general population by the Genome Aggregation Database (gnomAD). The available evidence is insufficient to determine the role of this variant in disease conclusively. Therefore, this variant is classified as a Variant of Uncertain Significance.

This study involves interpretation of variants in research participants for the purpose of population health screening. Participant phenotype was not available at the time of variant classification. Additional details can be found in publication PMID: 35346344, PMCID: PMC8962531

Fulgent Genetics
Classification: Uncertain significance for Ventricular arrhythmias due to cardiac ryanodine receptor calcium release deficiency syndrome; Catecholaminergic polymorphic ventricular tachycardia 1. Last evaluated: 2021-09-23. Review status: criteria provided, single submitter. Criteria: ACMG Guidelines, 2015. Collection method: clinical testing. Allele origin: unknown.

Breakthrough Genomics
Classification: Uncertain significance. Review status: criteria provided, single submitter. Criteria: ACMG Guidelines, 2015. Collection method: not provided. Allele origin: germline. Inheritance: Autosomal dominant inheritance. Affected: yes.